The following is an entry in ClinVar:

NM_000271.5(NPC1):c.2748T>G (p.Asn916Lys)

Gene: NPC1 (NPC intracellular cholesterol transporter 1; minus strand). Cytogenetic location: 18q11.2.
Variant type: single nucleotide variant.
Coding change: c.2748T>G on transcript NM_000271.5 (MANE Select); coding-DNA position 2748, T replaced by G.
Protein change: p.Asn916Lys; replaces asparagine 916 with lysine.
Molecular consequence: missense variant.
Genome position (GRCh38, 1-based): chr18:23,539,858, A>C on the plus strand (T>G on the coding strand, the complement: NPC1 is on the minus strand). VCF-style: chr18-23539858-A-C. GRCh37 (hg19) VCF-style: chr18-21119822-A-C.
Other names: short protein forms N916K.
Identifiers: ClinVar variation 3339610 (VCV003339610.1).

ClinVar aggregate classification (germline): Uncertain significance (1 of 4 stars; one submission).

gnomAD v4.1: 3 of 1,614,190 alleles (0.00019%); highest among the groups gnomAD compares: Admixed American, 0.0017%; no homozygotes.

Submission:

Women's Health and Genetics/Laboratory Corporation of America, LabCorp
Classification: Uncertain significance. Last evaluated: 2024-06-11. Review status: criteria provided, single submitter. Criteria: LabCorp Variant Classification Summary - May 2015. Collection method: clinical testing. Allele origin: germline.
Comment: Variant summary: NPC1 c.2748T>G (p.Asn916Lys) results in a non-conservative amino acid change in the encoded protein sequence. Three of five in-silico tools predict a damaging effect of the variant on protein function. The variant allele was found at a frequency of 1.2e-05 in 251480 control chromosomes. The available data on variant occurrences in the general population are insufficient to allow any conclusion about variant significance. To our knowledge, no occurrence of c.2748T>G in individuals affected with Niemann-Pick Disease Type C and no experimental evidence demonstrating its impact on protein function have been reported. No submitters have cited clinical-significance assessments for this variant to ClinVar. Based on the evidence outlined above, the variant was classified as uncertain significance.